The following is an entry in ClinVar:

NM_020750.3(XPO5):c.664C>T (p.Arg222Ter)

Gene: XPO5 (exportin 5; minus strand). Cytogenetic location: 6p21.1.
Variant type: single nucleotide variant.
Coding change: c.664C>T on transcript NM_020750.3 (MANE Select); coding-DNA position 664, C replaced by T.
Protein change: p.Arg222Ter; replaces arginine 222 with a stop codon.
Molecular consequence: nonsense. On other transcripts: non-coding transcript variant (1).
Genome position (GRCh38, 1-based): chr6:43,567,339, G>A on the plus strand (C>T on the coding strand, the complement: XPO5 is on the minus strand). VCF-style: chr6-43567339-G-A. GRCh37 (hg19) VCF-style: chr6-43535076-G-A.
Other names: short protein forms R222*.
Identifiers: ClinVar variation 2085382 (VCV002085382.4), dbSNP rs1411957188, ClinGen allele CA364260666.

ClinVar aggregate classification (germline): Uncertain significance (1 of 4 stars; one submission).

gnomAD v4.1: 3 of 1,605,900 alleles (0.00019%); highest among the groups gnomAD compares: African/African-American, 0.0013%; no homozygotes.

Submission:

Labcorp Genetics (formerly Invitae), Labcorp
Classification: Uncertain significance. Last evaluated: 2022-07-05. Review status: criteria provided, single submitter. Criteria: Invitae Variant Classification Sherloc (09022015). Collection method: clinical testing. Allele origin: germline.
Comment: This sequence change creates a premature translational stop signal (p.Arg222*) in the XPO5 gene. It is expected to result in an absent or disrupted protein product. However, the current clinical and genetic evidence is not sufficient to establish whether loss-of-function variants in XPO5 cause disease. This variant is not present in population databases (gnomAD no frequency). This variant has not been reported in the literature in individuals affected with XPO5-related conditions. In summary, the available evidence is currently insufficient to determine the role of this variant in disease. Therefore, it has been classified as a Variant of Uncertain Significance.